The following is an entry in ClinVar:

NM_182961.4(SYNE1):c.1483A>G (p.Thr495Ala)

Gene: SYNE1 (spectrin repeat containing nuclear envelope protein 1; minus strand). Cytogenetic location: 6q25.2.
Variant type: single nucleotide variant.
Coding change: c.1483A>G on transcript NM_182961.4 (MANE Select); coding-DNA position 1483, A replaced by G.
Protein change: p.Thr495Ala; replaces threonine 495 with alanine.
Molecular consequence: missense variant.
Genome position (GRCh38, 1-based): chr6:152,471,746, T>C on the plus strand (A>G on the coding strand, the complement: SYNE1 is on the minus strand). VCF-style: chr6-152471746-T-C. GRCh37 (hg19) VCF-style: chr6-152792881-T-C.
Other names: c.1504A>G, p.Thr502Ala (NM_033071.5); short protein forms T495A, T502A.
Identifiers: ClinVar variation 289169 (VCV000289169.41), dbSNP rs200954103, ClinGen allele CA4059382.
Genomic context (GRCh38, chr6:152,471,746, plus strand): 5'-GTGAGAGCAGACGGTACTTTAATTCTAAAAATTCCATTTTCATTAGGTGTAGCTCTGATG[T>C]GGAGGAAACAAAATGAAACCTAGAAATAAAACAGGGAGAATTTATAGAATGTAACTAATA-3'
Protein context (NP_892006.3, residues 485-505): MAERFHFVSS[Thr495Ala]SELHLMKMEF

ClinVar aggregate classification (germline): Benign/Likely benign. Review status: criteria provided, multiple submitters, no conflicts (2 of 4 stars). 9 submissions from 8 submitters: Benign (2); Likely benign (6). 1 of the submissions does not count toward it. Last evaluated 2025-02-10.

Conditions:
SYNE1-related disorder. Also called: SYNE1-related disease; SYNE1-related condition; SYNE1-related disorders.
Emery-Dreifuss muscular dystrophy 4, autosomal dominant (EDMD4). Also called: EMERY-DREIFUSS MUSCULAR DYSTROPHY 4 WITH VARIABLE FEATURES. Identifiers: Orphanet 261, MedGen C2751807, MONDO:0013071, OMIM 612998.
Autosomal recessive ataxia, Beauce type. Also called: SYNE1 Deficiency; SYNE1-Related Autosomal Recessive Cerebellar Ataxia; ATAXIA, RECESSIVE, OF BEAUCE; Spinocerebellar ataxia, autosomal recessive 8. Identifiers: Orphanet 88644, MedGen C1853116, MONDO:0012549, OMIM 610743.

Allele frequency attached by ClinVar (database versions not stated): gnomAD below 0.00001 and 0.00026; TOPMed 0.00003; gnomAD exomes 0.00045 and 0.00114; ExAC 0.00118; 1000 Genomes Project 30x 0.00156; 1000 Genomes Project 0.00160.
gnomAD v4.1: 712 of 1,613,724 alleles (0.044%); highest among the groups gnomAD compares: South Asian, 0.74%; 6 homozygotes.

Submissions (9):

Labcorp Genetics (formerly Invitae), Labcorp
Classification: Likely benign for Emery-Dreifuss muscular dystrophy 4, autosomal dominant; Autosomal recessive ataxia, Beauce type. Last evaluated: 2025-02-10. Review status: criteria provided, single submitter. Criteria: Invitae Variant Classification Sherloc (09022015). Collection method: clinical testing. Allele origin: germline.

CeGaT Center for Human Genetics Tuebingen
Classification: Likely benign. Last evaluated: 2024-07-01. Review status: criteria provided, single submitter. Criteria: CeGaT Center For Human Genetics Tuebingen Variant Classification Criteria Version 2. Collection method: clinical testing. Allele origin: germline. Affected: yes. Observed: 1 variant allele.
Comment: SYNE1: BP4, BS2

Blueprint Genetics
Classification: Likely benign. Last evaluated: 2024-03-05. Review status: criteria provided, single submitter. Criteria: ACMG Guidelines, 2015. Collection method: clinical testing. Allele origin: germline.

Athena Diagnostics
Classification: Benign. Last evaluated: 2019-04-12. Review status: criteria provided, single submitter. Criteria: Athena Diagnostics Criteria. Collection method: clinical testing. Allele origin: germline.

Illumina Laboratory Services, Illumina
Classification: Likely benign for Autosomal recessive ataxia, Beauce type. Last evaluated: 2018-01-13. Review status: criteria provided, single submitter. Criteria: ICSL Variant Classification Criteria 13 December 2019. Collection method: clinical testing. Allele origin: germline.
Comment: This variant was observed in the ICSL laboratory as part of a predisposition screen in an ostensibly healthy population. It had not been previously curated by ICSL or reported in the Human Gene Mutation Database (HGMD: prior to June 1st, 2018), and was therefore a candidate for classification through an automated scoring system. Utilizing variant allele frequency, disease prevalence and penetrance estimates, and inheritance mode, an automated score was calculated to assess if this variant is too frequent to cause the disease. Based on the score and internal cut-off values, a variant classified as likely benign is not then subjected to further curation. The score for this variant resulted in a classification of likely benign for this disease.

Illumina Laboratory Services, Illumina
Classification: Benign for Emery-Dreifuss muscular dystrophy 4, autosomal dominant. Last evaluated: 2018-01-13. Review status: criteria provided, single submitter. Criteria: ICSL Variant Classification Criteria 13 December 2019. Collection method: clinical testing. Allele origin: germline.
Comment: This variant was observed in the ICSL laboratory as part of a predisposition screen in an ostensibly healthy population. It had not been previously curated by ICSL or reported in the Human Gene Mutation Database (HGMD: prior to June 1st, 2018), and was therefore a candidate for classification through an automated scoring system. Utilizing variant allele frequency, disease prevalence and penetrance estimates, and inheritance mode, an automated score was calculated to assess if this variant is too frequent to cause the disease. Based on the score and internal cut-off values, a variant classified as benign is not then subjected to further curation. The score for this variant resulted in a classification of benign for this disease.

GeneDx
Classification: Likely benign. Last evaluated: 2017-02-23. Review status: criteria provided, single submitter. Criteria: GeneDx Variant Classification (06012015). Collection method: clinical testing. Allele origin: germline. Affected: yes.
Comment: This variant is considered likely benign or benign based on one or more of the following criteria: it is a conservative change, it occurs at a poorly conserved position in the protein, it is predicted to be benign by multiple in silico algorithms, and/or has population frequency not consistent with disease.

Eurofins Ntd Llc (ga)
Classification: Likely benign. Last evaluated: 2016-07-18. Review status: criteria provided, single submitter. Criteria: EGL Classification Definitions 2015. Collection method: clinical testing. Allele origin: germline. Observed: 1 variant allele, 1 heterozygote.

PreventionGenetics, part of Exact Sciences
Classification: Benign for SYNE1-related condition. Last evaluated: 2023-03-28. Review status: no assertion criteria provided. Collection method: clinical testing. Allele origin: germline. Not counted in ClinVar's aggregate classification.
Comment: This variant is classified as benign based on ACMG/AMP sequence variant interpretation guidelines (Richards et al. 2015 PMID: 25741868, with internal and published modifications).